The following is an entry in ClinVar:

ClinVar aggregate classification (germline): Uncertain significance (1 of 4 stars; one submission).

Conditions:
Dyskeratosis congenita. Identifiers: Orphanet 1775, MedGen C0265965, MONDO:0015780.

Allele frequency attached by ClinVar (database versions not stated): ExAC 0.00001; gnomAD 0.00001.
gnomAD v4.1: 4 of 1,614,116 alleles (0.00025%); highest among the groups gnomAD compares: African/African-American, 0.0027%; no homozygotes.

Submission:

Labcorp Genetics (formerly Invitae), Labcorp
Classification: Uncertain significance for Dyskeratosis congenita. Last evaluated: 2022-10-25. Review status: criteria provided, single submitter. Criteria: Invitae Variant Classification Sherloc (09022015). Collection method: clinical testing. Allele origin: germline.
Comment: In summary, the available evidence is currently insufficient to determine the role of this variant in disease. Therefore, it has been classified as a Variant of Uncertain Significance. Algorithms developed to predict the effect of missense changes on protein structure and function output the following: SIFT: "Deleterious"; PolyPhen-2: "Benign"; Align-GVGD: "Class C0". The serine amino acid residue is found in multiple mammalian species, which suggests that this missense change does not adversely affect protein function. This variant has not been reported in the literature in individuals affected with CTC1-related conditions. This variant is present in population databases (rs764277261, gnomAD 0.006%). This sequence change replaces proline, which is neutral and non-polar, with serine, which is neutral and polar, at codon 335 of the CTC1 protein (p.Pro335Ser).

NM_025099.6(CTC1):c.1003C>T (p.Pro335Ser)

Gene: CTC1 (CST telomere replication complex component 1; minus strand). Cytogenetic location: 17p13.1.
Variant type: single nucleotide variant.
Coding change: c.1003C>T on transcript NM_025099.6 (MANE Select); coding-DNA position 1003, C replaced by T.
Protein change: p.Pro335Ser; replaces proline 335 with serine.
Molecular consequence: missense variant. On other transcripts: non-coding transcript variant (1).
Genome position (GRCh38, 1-based): chr17:8,236,132, G>A on the plus strand (C>T on the coding strand, the complement: CTC1 is on the minus strand). VCF-style: chr17-8236132-G-A. GRCh37 (hg19) VCF-style: chr17-8139450-G-A.
Other names: c.1003C>T, p.Pro335Ser (NM_001411067.1); short protein forms P335S.
Identifiers: ClinVar variation 2731774 (VCV002731774.3), dbSNP rs764277261, ClinGen allele CA8372505.